The following is an entry in ClinVar:

ClinVar aggregate classification (germline): Benign/Likely benign. Review status: criteria provided, multiple submitters, no conflicts (2 of 4 stars). 5 submissions from 5 submitters: Benign (2); Likely benign (2). 1 of the submissions does not count toward it. Last evaluated 2025-07-01.

Conditions:
Marinesco-Sjögren syndrome (MSS). Also called: Marinesco-Sjogren Syndrome; Marinesco-SjÃ¶gren syndrome. Identifiers: Orphanet 559, MedGen C0024814, MONDO:0009567, OMIM 248800.
SIL1-related disorder. Also called: SIL1-related condition.

Allele frequency attached by ClinVar (database versions not stated): gnomAD exomes 0.00027 and 0.00082; ExAC 0.00097; 1000 Genomes Project 30x 0.00187; 1000 Genomes Project 0.00200; gnomAD 0.00285 and 0.00310; TOPMed 0.00309; ESP Exome Variant Server 0.00346.
gnomAD v4.1: 823 of 1,614,132 alleles (0.051%); highest among the groups gnomAD compares: African/African-American, 0.97%; 6 homozygotes.

Submissions (5):

CeGaT Center for Human Genetics Tuebingen
Classification: Benign. Last evaluated: 2025-07-01. Review status: criteria provided, single submitter. Criteria: CeGaT Center For Human Genetics Tuebingen Variant Classification Criteria Version 2. Collection method: clinical testing. Allele origin: germline. Affected: yes. Observed: 3 variant alleles.
Comment: SIL1: BP4, BS1, BS2

GeneDx
Classification: Likely benign. Last evaluated: 2020-02-19. Review status: criteria provided, single submitter. Criteria: GeneDx Variant Classification Process June 2021. Collection method: clinical testing. Allele origin: germline. Affected: yes.

Labcorp Genetics (formerly Invitae), Labcorp
Classification: Benign. Last evaluated: 2018-02-27. Review status: criteria provided, single submitter. Criteria: Invitae Variant Classification Sherloc (09022015). Collection method: clinical testing. Allele origin: germline.

Illumina Laboratory Services, Illumina
Classification: Likely benign for Marinesco-Sjögren syndrome. Last evaluated: 2018-01-13. Review status: criteria provided, single submitter. Criteria: ICSL Variant Classification Criteria 13 December 2019. Collection method: clinical testing. Allele origin: germline.
Comment: This variant was observed in the ICSL laboratory as part of a predisposition screen in an ostensibly healthy population. It had not been previously curated by ICSL or reported in the Human Gene Mutation Database (HGMD: prior to June 1st, 2018), and was therefore a candidate for classification through an automated scoring system. Utilizing variant allele frequency, disease prevalence and penetrance estimates, and inheritance mode, an automated score was calculated to assess if this variant is too frequent to cause the disease. Based on the score and internal cut-off values, a variant classified as likely benign is not then subjected to further curation. The score for this variant resulted in a classification of likely benign for this disease.

PreventionGenetics, part of Exact Sciences
Classification: Benign for SIL1-related condition. Last evaluated: 2020-11-04. Review status: no assertion criteria provided. Collection method: clinical testing. Allele origin: germline. Not counted in ClinVar's aggregate classification.
Comment: This variant is classified as benign based on ACMG/AMP sequence variant interpretation guidelines (Richards et al. 2015 PMID: 25741868, with internal and published modifications).

NM_022464.5(SIL1):c.152C>T (p.Thr51Ile)

Gene: SIL1 (SIL1 nucleotide exchange factor; minus strand). Cytogenetic location: 5q31.2.
Variant type: single nucleotide variant.
Coding change: c.152C>T on transcript NM_022464.5 (MANE Select); coding-DNA position 152, C replaced by T.
Protein change: p.Thr51Ile; replaces threonine 51 with isoleucine.
Molecular consequence: missense variant.
Genome position (GRCh38, 1-based): chr5:139,121,127, G>A on the plus strand (C>T on the coding strand, the complement: SIL1 is on the minus strand). VCF-style: chr5-139121127-G-A. GRCh37 (hg19) VCF-style: chr5-138456816-G-A.
Other names: c.152C>T, p.Thr51Ile (NM_001037633.2); short protein forms T51I.
Identifiers: ClinVar variation 782453 (VCV000782453.34), dbSNP rs144192049, ClinGen allele CA3432672.
Genomic context (GRCh38, chr5:139,121,127, plus strand): 5'-TGGAACACCTCCAGGACTTCGGCATCCAGCTCCTCCTCGGCTTTGGTTTCTTTTCTCTCT[G>A]TTTCTTTGGTGCTGCTCTTCTCTGGGTTGGTCAGGGCAAACTCCTTCTGAGAAAAGAAAA-3'
Protein context (NP_071909.1, residues 41-61): TNPEKSSTKE[Thr51Ile]ERKETKAEEE